The following is an entry in ClinVar:

NM_000540.3(RYR1):c.288A>G (p.Gly96=)

Gene: RYR1 (ryanodine receptor 1; plus strand). Cytogenetic location: 19q13.2.
Variant type: single nucleotide variant.
Coding change: c.288A>G on transcript NM_000540.3 (MANE Select); coding-DNA position 288, A replaced by G.
Protein change: p.Gly96=; no amino-acid change (glycine 96 retained).
Molecular consequence: synonymous variant.
Genome position (GRCh38, 1-based): chr19:38,443,575, A>G. VCF-style: chr19-38443575-A-G. GRCh37 (hg19) VCF-style: chr19-38934215-A-G.
Other names: c.288A>G, p.Gly96= (NM_001042723.2).
Identifiers: ClinVar variation 478219 (VCV000478219.9), dbSNP rs1015445310, ClinGen allele CA308111040.

ClinVar aggregate classification (germline): Likely benign. Review status: criteria provided, multiple submitters, no conflicts (2 of 4 stars). 2 submissions from 2 submitters: Likely benign (2). Last evaluated 2025-05-28.

Conditions:
RYR1-related disorder. Also called: RYR1-related condition; RYR1-related disorders. Identifiers: MedGen CN239331.
Malignant hyperthermia, susceptibility to, 1 (MHS1). Also called: Anesthesia related hyperthermia; Malignant hyperpyrexia; Fulminating hyperpyrexia; Pharmacogenic myopathy; Malignant hyperthermia suceptibility 1; RYR1-Related Malignant Hyperthermia Susceptibility. Identifiers: Orphanet 423, MedGen C2930980, MONDO:0007783, OMIM 145600.

Allele frequency attached by ClinVar (database versions not stated): gnomAD exomes below 0.00001; gnomAD 0.00001; TOPMed 0.00003.
gnomAD v4.1: 4 of 1,613,804 alleles (0.00025%); highest among the groups gnomAD compares: African/African-American, 0.0053%; no homozygotes.

Submissions (2):

Labcorp Genetics (formerly Invitae), Labcorp
Classification: Likely benign for RYR1-related disorder. Last evaluated: 2025-05-28. Review status: criteria provided, single submitter. Criteria: Invitae Variant Classification Sherloc (09022015). Collection method: clinical testing. Allele origin: germline.

All of Us Research Program, National Institutes of Health
Classification: Likely benign for Malignant hyperthermia, susceptibility to, 1. Last evaluated: 2023-12-01. Review status: criteria provided, single submitter. Criteria: ACMG Guidelines, 2015. Collection method: clinical testing. Allele origin: germline. Inheritance: Autosomal dominant inheritance. Observed: 2 variant alleles, 2 heterozygotes.
Comment: This study involves interpretation of variants in research participants for the purpose of population health screening. Participant phenotype was not available at the time of variant classification. Additional details can be found in publication PMID: 35346344, PMCID: PMC8962531